The following is an entry in ClinVar:

NM_001042750.2(STAG2):c.2194C>T (p.His732Tyr)

Gene: STAG2 (STAG2 cohesin complex component; plus strand). Cytogenetic location: Xq25.
Variant type: single nucleotide variant.
Coding change: c.2194C>T on transcript NM_001042750.2 (MANE Select); coding-DNA position 2194, C replaced by T.
Protein change: p.His732Tyr; replaces histidine 732 with tyrosine.
Molecular consequence: missense variant.
Genome position (GRCh38, 1-based): chrX:124,066,365, C>T. VCF-style: chrX-124066365-C-T. GRCh37 (hg19) VCF-style: chrX-123200215-C-T.
Other names: c.2194C>T, p.His732Tyr (NM_001042749.2, NM_001042751.2, NM_001282418.2 and 13 more transcripts); short protein forms H732Y.
Identifiers: ClinVar variation 2058452 (VCV002058452.4), dbSNP rs2148344137, ClinGen allele CA414274559.

ClinVar aggregate classification (germline): Uncertain significance (1 of 4 stars; one submission).

gnomAD v4.1: 1 of 1,202,808 alleles (0.000083%); highest among the groups gnomAD compares: African/African-American, 0.0017%; no homozygotes.

Submission:

Labcorp Genetics (formerly Invitae), Labcorp
Classification: Uncertain significance. Last evaluated: 2022-07-19. Review status: criteria provided, single submitter. Criteria: Invitae Variant Classification Sherloc (09022015). Collection method: clinical testing. Allele origin: germline.
Comment: In summary, the available evidence is currently insufficient to determine the role of this variant in disease. Therefore, it has been classified as a Variant of Uncertain Significance. Algorithms developed to predict the effect of missense changes on protein structure and function (SIFT, PolyPhen-2, Align-GVGD) all suggest that this variant is likely to be tolerated. This variant has not been reported in the literature in individuals affected with STAG2-related conditions. This variant is not present in population databases (gnomAD no frequency). This sequence change replaces histidine, which is basic and polar, with tyrosine, which is neutral and polar, at codon 732 of the STAG2 protein (p.His732Tyr).